The following is an entry in ClinVar:

ClinVar aggregate classification (germline): Likely pathogenic (1 of 4 stars; one submission).

Conditions:
Alstrom syndrome (ALMS). Identifiers: Orphanet 64, MedGen C0268425, MONDO:0008763, OMIM 203800.

Submission:

Natera, Inc.
Classification: Likely pathogenic for Alstrom syndrome. Last evaluated: 2024-04-17. Review status: criteria provided, single submitter. Criteria: Natera Variant Classification Schema (03/2026). Collection method: clinical testing. Allele origin: germline.
Comment: The c.9558delG variant in ALMS1 is a frameshift variant predicted to shift the reading frame beginning at codon 3186 and leads to a stop codon 20 codons downstream. This variant is expected to result in nonsense mediated decay, truncation, or a dysfunctional protein product. This variant is rare in the general population with a frequency below the threshold expected for the associated phenotype(s). Given the available evidence, this variant is classified as Likely Pathogenic.

NM_001378454.1(ALMS1):c.9555del (p.Met3185fs)

Gene: ALMS1 (ALMS1 centrosome and basal body associated protein; plus strand). Cytogenetic location: 2p13.1.
Variant type: Deletion.
Coding change: c.9555del on transcript NM_001378454.1 (MANE Select); coding-DNA position 9555, one base deleted (G; older notation c.9555delG).
Protein change: p.Met3185fs; shifts the reading frame from methionine 3185.
Molecular consequence: frameshift variant.
Genome position (GRCh38, 1-based): chr2:73,519,790, G deleted. VCF-style (leftmost placement, unchanged base first): chr2-73519789-TG-T. GRCh37 (hg19) VCF-style: chr2-73746916-TG-T.
Other names: c.9558delG (NM_015120.4); c.9558del, p.Met3186fs (NM_015120.4); short protein forms M3185fs, M3186fs.
Identifiers: ClinVar variation 4815810 (VCV004815810.1).
Genomic context (GRCh38, chr2:73,519,789, plus strand): 5'-ATGGCCAAGGATATAATCTGCTGTATTCTTTCTCTTTTTTGGTCAGATTACCAGAGAAGA[TG>T]AAGACCCCACTTTCTGCTTTCTCTGAAAAATTGTCATCTGATGCAGTCACTCAGATAACA-3'